The following is an entry in ClinVar:

NM_001256545.2(MEGF10):c.2576T>C (p.Ile859Thr)

Gene: MEGF10 (multiple EGF like domains 10; plus strand). Cytogenetic location: 5q23.2.
Variant type: single nucleotide variant.
Coding change: c.2576T>C on transcript NM_001256545.2 (MANE Select); coding-DNA position 2576, T replaced by C.
Protein change: p.Ile859Thr; replaces isoleucine 859 with threonine.
Molecular consequence: missense variant.
Genome position (GRCh38, 1-based): chr5:127,445,541, T>C. VCF-style: chr5-127445541-T-C. GRCh37 (hg19) VCF-style: chr5-126781233-T-C.
Other names: c.2576T>C, p.Ile859Thr (NM_032446.3); short protein forms I859T.
Identifiers: ClinVar variation 452108 (VCV000452108.3), dbSNP rs895294556, ClinGen allele CA126966898.

ClinVar aggregate classification (germline): Uncertain significance (1 of 4 stars; one submission).

Allele frequency attached by ClinVar (database versions not stated): gnomAD exomes below 0.00001 and 0.00001; gnomAD 0.00001; TOPMed 0.00002.
gnomAD v4.1: 5 of 1,614,008 alleles (0.00031%); highest among the groups gnomAD compares: African/African-American, 0.0013%; no homozygotes.

Submission:

GeneDx
Classification: Uncertain significance. Last evaluated: 2020-05-19. Review status: criteria provided, single submitter. Criteria: GeneDx Variant Classification Process June 2021. Collection method: clinical testing. Allele origin: germline. Affected: yes.
Comment: Not observed at a significant frequency in large population cohorts (Lek et al., 2016); In silico analysis supports that this missense variant has a deleterious effect on protein structure/function; Has not been previously published as pathogenic or benign to our knowledge